The following is an entry in ClinVar:

ClinVar aggregate classification (germline): Uncertain significance. Review status: criteria provided, multiple submitters, no conflicts (2 of 4 stars). 2 submissions from 2 submitters: Uncertain significance (2). Last evaluated 2023-07-14.

Allele frequency attached by ClinVar (database versions not stated): TOPMed 0.00003.

Submissions (2):

Greenwood Genetic Center Diagnostic Laboratories, Greenwood Genetic Center
Classification: Uncertain significance. Last evaluated: 2023-07-14. Review status: criteria provided, single submitter. Criteria: ACMG Guidelines, 2015. Collection method: clinical testing. Allele origin: germline. Affected: yes.
Comment: PM2, PP3

GeneDx
Classification: Uncertain significance. Last evaluated: 2019-08-22. Review status: criteria provided, single submitter. Criteria: GeneDx Variant Classification Process June 2021. Collection method: clinical testing. Allele origin: germline. Affected: yes.
Comment: Not observed in large population cohorts (Lek et al., 2016); In silico analysis, which includes protein predictors and evolutionary conservation, supports a deleterious effect; Has not been previously published as pathogenic or benign to our knowledge

NM_203290.4(POLR1C):c.293C>T (p.Thr98Ile)

Gene: POLR1C (RNA polymerase I and III subunit C; plus strand). Cytogenetic location: 6p21.1.
Variant type: single nucleotide variant.
Coding change: c.293C>T on transcript NM_203290.4 (MANE Select); coding-DNA position 293, C replaced by T.
Protein change: p.Thr98Ile; replaces threonine 98 with isoleucine.
Molecular consequence: missense variant.
Genome position (GRCh38, 1-based): chr6:43,519,749, C>T. VCF-style: chr6-43519749-C-T. GRCh37 (hg19) VCF-style: chr6-43487487-C-T.
Other names: c.293C>T, p.Thr98Ile (NM_001318876.2, NM_001363658.2); short protein forms T98I.
Identifiers: ClinVar variation 1308110 (VCV001308110.3), dbSNP rs1174079439, ClinGen allele CA364282659.